The following is an entry in ClinVar:

NM_172362.3(KCNH1):c.2317A>C (p.Thr773Pro)

Gene: KCNH1 (potassium voltage-gated channel subfamily H member 1; minus strand). Cytogenetic location: 1q32.2.
Variant type: single nucleotide variant.
Coding change: c.2317A>C on transcript NM_172362.3 (MANE Select); coding-DNA position 2317, A replaced by C.
Protein change: p.Thr773Pro; replaces threonine 773 with proline.
Molecular consequence: missense variant.
Genome position (GRCh38, 1-based): chr1:210,683,934, T>G on the plus strand (A>C on the coding strand, the complement: KCNH1 is on the minus strand). VCF-style: chr1-210683934-T-G. GRCh37 (hg19) VCF-style: chr1-210857276-T-G.
Other names: c.2236A>C, p.Thr746Pro (NM_002238.4); short protein forms T773P, T746P.
Identifiers: ClinVar variation 2779792 (VCV002779792.3), dbSNP rs2546370851, ClinGen allele CA344871418.

ClinVar aggregate classification (germline): Uncertain significance (1 of 4 stars; one submission).

Allele frequency attached by ClinVar (database versions not stated): gnomAD exomes below 0.00001.
gnomAD v4.1: 1 of 1,610,716 alleles (0.000062%); highest among the groups gnomAD compares: African/African-American, 0.0013%; no homozygotes.

Submission:

Labcorp Genetics (formerly Invitae), Labcorp
Classification: Uncertain significance. Last evaluated: 2025-12-11. Review status: criteria provided, single submitter. Criteria: Invitae Variant Classification Sherloc (09022015). Collection method: clinical testing. Allele origin: germline.
Comment: This sequence change replaces threonine, which is neutral and polar, with proline, which is neutral and non-polar, at codon 773 of the KCNH1 protein (p.Thr773Pro). This variant is not present in population databases (gnomAD no frequency). This variant has not been reported in the literature in individuals affected with KCNH1-related conditions. ClinVar contains an entry for this variant (Variation ID: 2779792). Invitae Evidence Modeling of protein sequence and biophysical properties (such as structural, functional, and spatial information, amino acid conservation, physicochemical variation, residue mobility, and thermodynamic stability) indicates that this missense variant is not expected to disrupt KCNH1 protein function with a negative predictive value of 95%. In summary, the available evidence is currently insufficient to determine the role of this variant in disease. Therefore, it has been classified as a Variant of Uncertain Significance.